The following is an entry in ClinVar:

ClinVar aggregate classification (germline): Likely benign (1 of 4 stars; one submission).

Conditions:
CKAP2L-related disorder. Also called: CKAP2L-related condition.

gnomAD v4.1: 4 of 1,613,700 alleles (0.00025%); highest among the groups gnomAD compares: South Asian, 0.0011%; no homozygotes.

Submission:

PreventionGenetics, part of Exact Sciences
Classification: Likely benign for CKAP2L-related condition. Last evaluated: 2025-08-07. Review status: criteria provided, single submitter. Criteria: ACMG Guidelines, 2015. Collection method: clinical testing. Allele origin: germline.
Comment: This variant is classified as likely benign based on ACMG/AMP sequence variant interpretation guidelines (Richards et al. 2015 PMID: 25741868, with internal and published modifications).

NM_152515.5(CKAP2L):c.1011C>T (p.Pro337=)

Gene: CKAP2L (cytoskeleton associated protein 2L; minus strand). Cytogenetic location: 2q14.1.
Variant type: single nucleotide variant.
Coding change: c.1011C>T on transcript NM_152515.5 (MANE Select); coding-DNA position 1011, C replaced by T.
Protein change: p.Pro337=; no amino-acid change (proline 337 retained).
Molecular consequence: synonymous variant.
Genome position (GRCh38, 1-based): chr2:112,756,360, G>A on the plus strand (C>T on the coding strand, the complement: CKAP2L is on the minus strand). VCF-style: chr2-112756360-G-A. GRCh37 (hg19) VCF-style: chr2-113513937-G-A.
Other names: c.516C>T, p.Pro172= (NM_001304361.2).
Identifiers: ClinVar variation 5000504 (VCV005000504.1).